The following is an entry in ClinVar:

NM_005359.6(SMAD4):c.1196T>A (p.Val399Asp)

Gene: SMAD4 (SMAD family member 4; plus strand). Cytogenetic location: 18q21.2.
Variant type: single nucleotide variant.
Coding change: c.1196T>A on transcript NM_005359.6 (MANE Select); coding-DNA position 1196, T replaced by A.
Protein change: p.Val399Asp; replaces valine 399 with aspartic acid.
Molecular consequence: missense variant.
Genome position (GRCh38, 1-based): chr18:51,067,075, T>A. VCF-style: chr18-51067075-T-A. GRCh37 (hg19) VCF-style: chr18-48593445-T-A.
Other names: short protein forms V399D.
Identifiers: ClinVar variation 858313 (VCV000858313.9), dbSNP rs1910180431, ClinGen allele CA402464831.

ClinVar aggregate classification (germline): Uncertain significance (1 of 4 stars; one submission).

Conditions:
Juvenile polyposis syndrome (JPS). Identifiers: Orphanet 2929, MedGen C0345893, MONDO:0017380, OMIM 174900.

Submission:

Labcorp Genetics (formerly Invitae), Labcorp
Classification: Uncertain significance for Juvenile polyposis syndrome. Last evaluated: 2025-10-06. Review status: criteria provided, single submitter. Criteria: Invitae Variant Classification Sherloc (09022015). Collection method: clinical testing. Allele origin: germline.
Comment: This sequence change replaces valine, which is neutral and non-polar, with aspartic acid, which is acidic and polar, at codon 399 of the SMAD4 protein (p.Val399Asp). This variant is not present in population databases (gnomAD no frequency). This variant has not been reported in the literature in individuals affected with SMAD4-related conditions. ClinVar contains an entry for this variant (Variation ID: 858313). Invitae Evidence Modeling of protein sequence and biophysical properties (such as structural, functional, and spatial information, amino acid conservation, physicochemical variation, residue mobility, and thermodynamic stability) has been performed for this missense variant. However, the output from this modeling did not meet the statistical confidence thresholds required to predict the impact of this variant on SMAD4 protein function. In summary, the available evidence is currently insufficient to determine the role of this variant in disease. Therefore, it has been classified as a Variant of Uncertain Significance.